The following is an entry in ClinVar:

Conditions:
Breast-ovarian cancer, familial, susceptibility to, 1 (BROVCA1). Also called: BRCA1 Hereditary Breast and Ovarian Cancer; OVARIAN CANCER, SUSCEPTIBILITY TO. Identifiers: Orphanet 145, MedGen C2676676, MONDO:0011450, OMIM 604370. Disease mechanism: loss of function.

Submission:

Brotman Baty Institute, University of Washington
No classification provided (evidence only). Condition: Breast-ovarian cancer, familial 1. Review status: no classification provided. Collection method: in vitro. Allele origin: not applicable. Functional consequence: functionally_normal.
ClinVar note: "not provided" was previously submitted as the classification for the variant. However, the classification appeared to be based only on an observation of functional data so it was converted to no classification on 2025-07-30.

NM_007294.4(BRCA1):c.5467+20C>G

Gene: BRCA1 (BRCA1 DNA repair associated; minus strand). Cytogenetic location: 17q21.31.
Variant type: single nucleotide variant.
Coding change: c.5467+20C>G on transcript NM_007294.4 (MANE Select); 20 bases into the intron after coding-DNA position 5467, C replaced by G.
Molecular consequence: intron variant.
Genome position (GRCh38, 1-based): chr17:43,047,623, G>C on the plus strand (C>G on the coding strand, the complement: BRCA1 is on the minus strand). VCF-style: chr17-43047623-G-C. GRCh37 (hg19) VCF-style: chr17-41199640-G-C.
Other names: c.1894+20C>G (NM_001408497.1, NM_001408496.1, NM_001408499.1 and 3 more transcripts); c.2158+20C>G (NM_001407973.1, NM_001407975.1, NM_001407978.1 and 3 more transcripts); c.5467+20C>G (NM_001407596.1, NM_001407602.1, NM_001407597.1 and 5 more transcripts); c.4579+20C>G (NM_001407966.1); c.5080+20C>G (NM_001407963.1); c.1774+20C>G (NM_001408511.1); c.2017+20C>G (NM_001408457.1, NM_001408454.1, NM_001408456.1 and 3 more transcripts); c.5326+20C>G (NM_001407692.1, NM_001407729.1, NM_001407698.1 and 12 more transcripts); and 83 more.
Identifiers: ClinVar variation 868544 (VCV000868544.3), dbSNP rs2050971586, ClinGen allele CA916080734.